The following is an entry in ClinVar:

ClinVar aggregate classification (germline): Likely pathogenic (1 of 4 stars; one submission).

Conditions:
Thrombophilia due to protein S deficiency, autosomal recessive (THPH6). Identifiers: Orphanet 743, MedGen C3281092, MONDO:0013791, OMIM 614514. Disease mechanism: loss of function.

Submission:

Labcorp Genetics (formerly Invitae), Labcorp
Classification: Likely pathogenic for Thrombophilia due to protein S deficiency, autosomal recessive. Last evaluated: 2019-08-04. Review status: criteria provided, single submitter. Criteria: Invitae Variant Classification Sherloc (09022015). Collection method: clinical testing. Allele origin: germline.
Comment: In summary, the currently available evidence indicates that the variant is pathogenic, but additional data are needed to prove that conclusively. Therefore, this variant has been classified as Likely Pathogenic. Donor and acceptor splice site variants typically lead to a loss of protein function (PMID: 16199547), and loss-of-function variants in PROS1 are known to be pathogenic (PMID: 9241758). Algorithms developed to predict the effect of sequence changes on RNA splicing suggest that this variant may disrupt the consensus splice site, but this prediction has not been confirmed by published transcriptional studies. This variant has been observed in individuals with protein S deficiency (PMID: 26466767, Invitae). This variant is not present in population databases (ExAC no frequency). This sequence change affects an acceptor splice site in intron 2 of the PROS1 gene. It is expected to disrupt RNA splicing and likely results in an absent or disrupted protein product.

Literature cited by the submitters: PubMed 16199547; PubMed 9241758; PubMed 26466767.

NM_000313.4(PROS1):c.235-1G>A

Gene: PROS1 (protein S; minus strand). Cytogenetic location: 3q11.1.
Variant type: single nucleotide variant.
Coding change: c.235-1G>A on transcript NM_000313.4 (MANE Select); the canonical splice acceptor site of the intron before coding-DNA position 235, G replaced by A.
Molecular consequence: splice acceptor variant.
Genome position (GRCh38, 1-based): chr3:93,924,265, C>T on the plus strand (G>A on the coding strand, the complement: PROS1 is on the minus strand). VCF-style: chr3-93924265-C-T. GRCh37 (hg19) VCF-style: chr3-93643109-C-T.
Other names: c.331-1G>A (NM_001314077.2).
Identifiers: ClinVar variation 945846 (VCV000945846.7), dbSNP rs1708985469, ClinGen allele CA353674336.